The following is an entry in ClinVar:

ClinVar aggregate classification (germline): Uncertain significance (1 of 4 stars; one submission).

Allele frequency attached by ClinVar (database versions not stated): gnomAD 0.00001; TOPMed 0.00002; ExAC 0.00004; 1000 Genomes Project 30x 0.00016; 1000 Genomes Project 0.00020.
gnomAD v4.1: 26 of 1,611,922 alleles (0.0016%); highest among the groups gnomAD compares: East Asian, 0.033%; no homozygotes.

Submission:

Labcorp Genetics (formerly Invitae), Labcorp
Classification: Uncertain significance. Last evaluated: 2024-09-02. Review status: criteria provided, single submitter. Criteria: Invitae Variant Classification Sherloc (09022015). Collection method: clinical testing. Allele origin: germline.
Comment: This sequence change replaces arginine, which is basic and polar, with histidine, which is basic and polar, at codon 900 of the PRPF6 protein (p.Arg900His). This variant is present in population databases (rs527892521, gnomAD 0.06%), and has an allele count higher than expected for a pathogenic variant. This missense change has been observed in individual(s) with clinical features of PRPF6-related conditions (PMID: 33608557, 37191617; internal data). ClinVar contains an entry for this variant (Variation ID: 842292). Invitae Evidence Modeling of protein sequence and biophysical properties (such as structural, functional, and spatial information, amino acid conservation, physicochemical variation, residue mobility, and thermodynamic stability) indicates that this missense variant is not expected to disrupt PRPF6 protein function with a negative predictive value of 80%. In summary, the available evidence is currently insufficient to determine the role of this variant in disease. Therefore, it has been classified as a Variant of Uncertain Significance.

Literature cited by the submitters: PubMed 33608557; PubMed 37191617.

NM_012469.4(PRPF6):c.2699G>A (p.Arg900His)

Gene: PRPF6 (pre-mRNA processing factor 6; plus strand). Cytogenetic location: 20q13.33.
Variant type: single nucleotide variant.
Coding change: c.2699G>A on transcript NM_012469.4 (MANE Select); coding-DNA position 2699, G replaced by A.
Protein change: p.Arg900His; replaces arginine 900 with histidine.
Molecular consequence: missense variant.
Genome position (GRCh38, 1-based): chr20:64,032,866, G>A. VCF-style: chr20-64032866-G-A. GRCh37 (hg19) VCF-style: chr20-62664219-G-A.
Other names: short protein forms R900H.
Identifiers: ClinVar variation 842292 (VCV000842292.10), dbSNP rs527892521, ClinGen allele CA9972584.